The following is an entry in ClinVar:

NC_000023.11:g.119250074G>A

Gene: PGRMC1 (progesterone receptor membrane component 1; plus strand). Cytogenetic location: Xq24.
Variant type: single nucleotide variant.
Molecular consequence: non-coding transcript variant (on NR_171575.1).
Genome position: GRCh38 VCF-style: chrX-119250074-G-A. GRCh37 (hg19) VCF-style: chrX-118384037-G-A.
Identifiers: ClinVar variation 2661289 (VCV002661289.24), dbSNP rs756144742, ClinGen allele CA334953233.
Genomic context (GRCh38, chrX:119,250,074, plus strand): 5'-TACTAATTTCCTCTAAGAAATCTGTCAACTGTAAACCTAAGCCTATTGACTCATGGGGTG[G>A]GGACACTTGGCTTTTCCTTGTGGATTTGGAATCTTCAATATGATAACTATGAGTCTTTTC-3'

ClinVar aggregate classification (germline): Likely benign (1 of 4 stars; one submission).

Allele frequency attached by ClinVar (database versions not stated): TOPMed 0.00016; gnomAD 0.00017.

Submission:

CeGaT Center for Human Genetics Tuebingen
Classification: Likely benign. Last evaluated: 2023-02-01. Review status: criteria provided, single submitter. Criteria: CeGaT Center For Human Genetics Tuebingen Variant Classification Criteria Version 2. Collection method: clinical testing. Allele origin: germline. Affected: yes. Observed: 1 variant allele.
Comment: PGRMC1: BS2